The following is an entry in ClinVar:

NM_014159.7(SETD2):c.4487G>A (p.Arg1496Gln)

Gene: SETD2 (SET domain containing 2, histone lysine methyltransferase; minus strand). Cytogenetic location: 3p21.31.
Variant type: single nucleotide variant.
Coding change: c.4487G>A on transcript NM_014159.7 (MANE Select); coding-DNA position 4487, G replaced by A.
Protein change: p.Arg1496Gln; replaces arginine 1496 with glutamine.
Molecular consequence: missense variant. On other transcripts: non-coding transcript variant (1).
Genome position (GRCh38, 1-based): chr3:47,116,722, C>T on the plus strand (G>A on the coding strand, the complement: SETD2 is on the minus strand). VCF-style: chr3-47116722-C-T. GRCh37 (hg19) VCF-style: chr3-47158212-C-T.
Other names: c.4355G>A, p.Arg1452Gln (NM_001349370.3); short protein forms R1496Q, R1452Q.
Identifiers: ClinVar variation 475519 (VCV000475519.7), dbSNP rs1553699111, ClinGen allele CA352516528.

ClinVar aggregate classification (germline): Conflicting classifications of pathogenicity. Review status: criteria provided, conflicting classifications (1 of 4 stars). 2 submissions from 2 submitters: Uncertain significance (1); Likely benign (1). Last evaluated 2026-07-04.

Conditions:
Luscan-Lumish syndrome. Identifiers: Orphanet 597738, MedGen C4085873, MONDO:0014791, OMIM 616831.

Allele frequency attached by ClinVar (database versions not stated): gnomAD exomes below 0.00001.
gnomAD v4.1: 1 of 1,604,878 alleles (0.000062%); highest among the groups gnomAD compares: Non-Finnish European, 0.000085%; no homozygotes.

Submissions (2):

GeneDx
Classification: Uncertain significance. Last evaluated: 2026-07-04. Review status: criteria provided, single submitter. Criteria: GeneDx Variant Classification Process June 2021. Collection method: clinical testing. Allele origin: germline.
Comment: Not observed at significant frequency in large population cohorts (gnomAD); In silico analysis supports that this missense variant has a deleterious effect on protein structure/function; Has not been previously published as pathogenic or benign to our knowledge; This variant is associated with the following publications: (PMID: Docampo2017[Thesis])

Labcorp Genetics (formerly Invitae), Labcorp
Classification: Likely benign for Luscan-Lumish syndrome. Last evaluated: 2024-10-23. Review status: criteria provided, single submitter. Criteria: Invitae Variant Classification Sherloc (09022015). Collection method: clinical testing. Allele origin: germline.